The following is an entry in ClinVar:

ClinVar aggregate classification (germline): Uncertain significance (1 of 4 stars; one submission).

Conditions:
Cystinosis. Also called: Cystine diathesis; Cystine storage disease; Cystinoses. Identifiers: Orphanet 213, MedGen C4316899, MONDO:0016239.

Submission:

Myriad Genetics, Inc.
Classification: Uncertain significance for Cystinosis. Last evaluated: 2026-01-13. Review status: criteria provided, single submitter. Criteria: Myriad Autosomal Dominant, Autosomal Recessive and X-Linked Classification Criteria (2023). Collection method: clinical testing. Allele origin: unknown.
Comment: NM_004937.2(CTNS):c.967_969delAAC(N323del) is an in-frame deletion classified as a variant of uncertain significance in the context of cystinosis. N323del has not been observed in cases with relevant disease. Relevant functional assessments of this variant are not available in the literature. N323del has not been observed in referenced population frequency databases. In summary, there is insufficient evidence to classify NM_004937.2(CTNS):c.967_969delAAC(N323del) as pathogenic or benign. Please note: this variant was assessed in the context of healthy population screening.

NM_004937.3(CTNS):c.964AAC[1] (p.Asn323del)

Gene: CTNS (cystinosin, lysosomal cystine transporter; plus strand). Cytogenetic location: 17p13.2.
Variant type: Microsatellite.
Coding change: c.964AAC[1] on transcript NM_004937.3 (MANE Select); one copy of the 3-base unit AAC starting at c.964; the reference has two copies in a row; one copy, 3 bases deleted.
Protein change: p.Asn323del; deletes asparagine 323.
Molecular consequence: inframe deletion.
Genome position (GRCh38, 1-based): chr17:3,659,972-3,659,974, AAC deleted; deleting any 3 consecutive bases within chr17:3,659,967-3,659,974 gives the same sequence; the position shown is the placement nearest the transcript's 3' end. VCF-style (leftmost placement, unchanged base first): chr17-3659966-TACA-T. GRCh37 (hg19) VCF-style: chr17-3563260-TACA-T.
Other names: c.964AAC[1], p.Asn323del (NM_001031681.3, NM_001374492.1); c.523AAC[1], p.Asn176del (NM_001374493.1, NM_001374494.1, NM_001374495.1 and 1 more transcripts); short protein forms N323del, N176del.
Identifiers: ClinVar variation 5003733 (VCV005003733.1).